The following is an entry in ClinVar:

NM_005564.5(LCN2):c.356-15C>G

Gene: LCN2 (lipocalin 2; plus strand). Cytogenetic location: 9q34.11.
Variant type: single nucleotide variant.
Coding change: c.356-15C>G on transcript NM_005564.5 (MANE Select); 15 bases into the intron before coding-DNA position 356, C replaced by G.
Molecular consequence: intron variant.
Genome position (GRCh38, 1-based): chr9:128,151,891, C>G. VCF-style: chr9-128151891-C-G. GRCh37 (hg19) VCF-style: chr9-130914170-C-G.
Identifiers: ClinVar variation 403029 (VCV000403029.6), dbSNP rs11794980, ClinGen allele CA5256750.

ClinVar aggregate classification (germline): Benign. Review status: criteria provided, multiple submitters, no conflicts (2 of 4 stars). 2 submissions from 2 submitters: Benign (2). Last evaluated 2016-03-29.

Allele frequency attached by ClinVar (database versions not stated): 1000 Genomes Project 30x 0.47408; ESP Exome Variant Server 0.47570; 1000 Genomes Project 0.47923; TOPMed 0.48826.
gnomAD v4.1: 972,721 of 1,613,372 alleles (60%); highest among the groups gnomAD compares: Admixed American, 71%; 302,561 homozygotes.

Submissions (5):

Laboratory for Molecular Medicine, Mass General Brigham Personalized Medicine
Classification: Benign. Last evaluated: 2016-03-29. Review status: criteria provided, single submitter. Criteria: LMM Criteria. Collection method: clinical testing. Allele origin: germline.
Comment: Variant identified in a genome or exome case(s) and assessed due to predicted null impact of the variant or pathogenic assertions in the literature or databases. Disclaimer: This variant has not undergone full assessment. The following are preliminary notes: Frequency

Breakthrough Genomics
Classification: Benign. Review status: criteria provided, single submitter. Criteria: ACMG Guidelines, 2015. Collection method: not provided. Allele origin: germline. Inheritance: Unknown mechanism. Affected: yes.

Dr. Peter K. Rogan Lab, Western University
No classification provided (evidence only). Condition: Familial cancer of breast. Review status: no classification provided. Collection method: in vitro. Allele origin: not applicable. Functional consequence: retained intron. Not counted in ClinVar's aggregate classification.

Dr. Peter K. Rogan Lab, Western University
No classification provided (evidence only). Condition: Hepatocellular carcinoma. Review status: no classification provided. Collection method: in vitro. Allele origin: not applicable. Functional consequence: retained intron. Not counted in ClinVar's aggregate classification.

Dr. Peter K. Rogan Lab, Western University
No classification provided (evidence only). Condition: Hepatocellular carcinoma. Review status: no classification provided. Collection method: in vitro. Allele origin: not applicable. Functional consequence: retained intron. Not counted in ClinVar's aggregate classification.